The following is an entry in ClinVar:

NM_000155.4(GALT):c.377+7_377+8del

Gene: GALT (galactose-1-phosphate uridylyltransferase; plus strand). Cytogenetic location: 9p13.3.
Variant type: Deletion.
Coding change: c.377+7_377+8del on transcript NM_000155.4 (MANE Select); bases 7 to 8 of the intron after coding-DNA position 377, 2 bases deleted (AT; older notation c.377+7_377+8delAT).
Molecular consequence: intron variant.
Genome position (GRCh38, 1-based): chr9:34,647,712-34,647,713, AT deleted; deleting any 2 consecutive bases within chr9:34,647,711-34,647,713 gives the same sequence; the c. name uses the placement nearest the transcript's 3' end. VCF-style (leftmost placement, unchanged base first): chr9-34647710-CTA-C. GRCh37 (hg19) VCF-style: chr9-34647707-CTA-C.
Other names: c.51-120_51-119del (NM_001258332.2).
Identifiers: ClinVar variation 3765734 (VCV003765734.1).

ClinVar aggregate classification (germline): Uncertain significance (1 of 4 stars; one submission).

Submission:

Greenwood Genetic Center Diagnostic Laboratories, Greenwood Genetic Center
Classification: Uncertain significance. Last evaluated: 2024-10-29. Review status: criteria provided, single submitter. Criteria: ACMG Guidelines, 2015. Collection method: clinical testing. Allele origin: germline. Affected: yes.
Comment: PM2